The following is an entry in ClinVar:

NM_001386795.1(DTNA):c.1434+222G>A

Gene: DTNA (dystrobrevin alpha; plus strand). Cytogenetic location: 18q12.1.
Variant type: single nucleotide variant.
Coding change: c.1434+222G>A on transcript NM_001386795.1 (MANE Select); 222 bases into the intron after coding-DNA position 1434, G replaced by A.
Molecular consequence: intron variant.
Genome position (GRCh38, 1-based): chr18:34,848,605, G>A. VCF-style: chr18-34848605-G-A. GRCh37 (hg19) VCF-style: chr18-32428569-G-A.
Other names: c.1182+222G>A (NM_032975.4, NM_001386761.1, NM_001386762.1 and 1 more transcripts); c.1263+222G>A (NM_001386754.1, NM_001386755.1, NM_001386760.1 and 5 more transcripts); c.1173+222G>A (NM_001386763.1, NM_001386764.1, NM_001386768.1 and 13 more transcripts); c.604-3226G>A (NM_001198945.2); c.1434+222G>A (NM_001386788.1); c.1344+222G>A (NM_032978.7); c.1353+222G>A (NM_001390.5, NM_001391.5); c.423+222G>A (NM_001198943.1); and 4 more.
Identifiers: ClinVar variation 679079 (VCV000679079.1), dbSNP rs71363470, ClinGen allele CA297787772.

ClinVar aggregate classification (germline): Likely benign (1 of 4 stars; one submission).

Allele frequency attached by ClinVar (database versions not stated): 1000 Genomes Project 30x 0.00375; 1000 Genomes Project 0.00419; TOPMed 0.00836; gnomAD 0.00877 and 0.00966.
gnomAD v4.1: 1,422 of 152,158 alleles (0.93%); highest among the groups gnomAD compares: Non-Finnish European, 1.5%; 20 homozygotes.

Submission:

GeneDx
Classification: Likely benign. Last evaluated: 2018-06-14. Review status: criteria provided, single submitter. Criteria: GeneDx Variant Classification (06012015). Collection method: clinical testing. Allele origin: germline. Affected: yes.
Comment: This variant is considered likely benign or benign based on one or more of the following criteria: it is a conservative change, it occurs at a poorly conserved position in the protein, it is predicted to be benign by multiple in silico algorithms, and/or has population frequency not consistent with disease.